The following is an entry in ClinVar:

NM_153704.6(TMEM67):c.2167T>C (p.Tyr723His)

Gene: TMEM67 (transmembrane protein 67; plus strand). Cytogenetic location: 8q22.1.
Variant type: single nucleotide variant.
Coding change: c.2167T>C on transcript NM_153704.6 (MANE Select); coding-DNA position 2167, T replaced by C.
Protein change: p.Tyr723His; replaces tyrosine 723 with histidine.
Molecular consequence: missense variant. On other transcripts: non-coding transcript variant (1).
Genome position (GRCh38, 1-based): chr8:93,799,684, T>C. VCF-style: chr8-93799684-T-C. GRCh37 (hg19) VCF-style: chr8-94811912-T-C.
Other names: c.1924T>C, p.Tyr642His (NM_001142301.1); short protein forms Y723H, Y642H.
Identifiers: ClinVar variation 1354241 (VCV001354241.8), dbSNP rs576079013, ClinGen allele CA4808217.

ClinVar aggregate classification (germline): Uncertain significance (1 of 4 stars; one submission).

Conditions:
Joubert syndrome. Also called: CEREBELLOPARENCHYMAL DISORDER IV; JOUBERT-BOLTSHAUSER SYNDROME; Familial aplasia of the vermis. Identifiers: Orphanet 475, MedGen C5979921, MONDO:0018772.
Meckel-Gruber syndrome. Also called: DYSENCEPHALIA SPLANCHNOCYSTICA; GRUBER SYNDROME; Dysencephalia splachnocystica. Identifiers: Orphanet 564, MedGen C0265215, MONDO:0018921.

Allele frequency attached by ClinVar (database versions not stated): gnomAD exomes below 0.00001; ExAC 0.00001; gnomAD 0.00001; 1000 Genomes Project 0.00020; 1000 Genomes Project 30x 0.00031.
gnomAD v4.1: 1 of 1,613,884 alleles (0.000062%); highest among the groups gnomAD compares: African/African-American, 0.0013%; no homozygotes.

Submission:

Labcorp Genetics (formerly Invitae), Labcorp
Classification: Uncertain significance for Joubert syndrome; Meckel-Gruber syndrome. Last evaluated: 2024-02-24. Review status: criteria provided, single submitter. Criteria: Invitae Variant Classification Sherloc (09022015). Collection method: clinical testing. Allele origin: germline.
Comment: This sequence change replaces tyrosine, which is neutral and polar, with histidine, which is basic and polar, at codon 723 of the TMEM67 protein (p.Tyr723His). This variant is present in population databases (rs576079013, gnomAD 0.007%). This variant has not been reported in the literature in individuals affected with TMEM67-related conditions. ClinVar contains an entry for this variant (Variation ID: 1354241). Advanced modeling of protein sequence and biophysical properties (such as structural, functional, and spatial information, amino acid conservation, physicochemical variation, residue mobility, and thermodynamic stability) performed at Invitae indicates that this missense variant is expected to disrupt TMEM67 protein function with a positive predictive value of 95%. In summary, the available evidence is currently insufficient to determine the role of this variant in disease. Therefore, it has been classified as a Variant of Uncertain Significance.